The following is an entry in ClinVar:

ClinVar aggregate classification (germline): Uncertain significance (1 of 4 stars; one submission).

Submission:

GeneDx
Classification: Uncertain significance. Last evaluated: 2022-05-10. Review status: criteria provided, single submitter. Criteria: GeneDx Variant Classification Process June 2021. Collection method: clinical testing. Allele origin: germline. Affected: yes.
Comment: Not observed at significant frequency in large population cohorts (gnomAD); In silico analysis supports that this missense variant has a deleterious effect on protein structure/function; Has not been previously published as pathogenic or benign to our knowledge

NM_017617.5(NOTCH1):c.2839A>T (p.Asn947Tyr)

Gene: NOTCH1 (notch receptor 1; minus strand). Cytogenetic location: 9q34.3.
Variant type: single nucleotide variant.
Coding change: c.2839A>T on transcript NM_017617.5 (MANE Select); coding-DNA position 2839, A replaced by T.
Protein change: p.Asn947Tyr; replaces asparagine 947 with tyrosine.
Molecular consequence: missense variant.
Genome position (GRCh38, 1-based): chr9:136,509,863, T>A on the plus strand (A>T on the coding strand, the complement: NOTCH1 is on the minus strand). VCF-style: chr9-136509863-T-A. GRCh37 (hg19) VCF-style: chr9-139404315-T-A.
Other names: short protein forms N947Y.
Identifiers: ClinVar variation 1723517 (VCV001723517.2), dbSNP rs2133350978, ClinGen allele CA375553721.